The following is an entry in ClinVar:

NM_006343.3(MERTK):c.2142G>C (p.Leu714=)

Gene: MERTK (MER proto-oncogene, tyrosine kinase; plus strand). Cytogenetic location: 2q13.
Variant type: single nucleotide variant.
Coding change: c.2142G>C on transcript NM_006343.3 (MANE Select); coding-DNA position 2142, G replaced by C.
Protein change: p.Leu714=; no amino-acid change (leucine 714 retained).
Molecular consequence: synonymous variant.
Genome position (GRCh38, 1-based): chr2:112,019,475, G>C. VCF-style: chr2-112019475-G-C. GRCh37 (hg19) VCF-style: chr2-112777052-G-C.
Identifiers: ClinVar variation 330768 (VCV000330768.49), dbSNP rs200363872, ClinGen allele CA1831722.

ClinVar aggregate classification (germline): Conflicting classifications of pathogenicity. Review status: criteria provided, conflicting classifications (1 of 4 stars). 5 submissions from 5 submitters: Uncertain significance (1); Likely benign (4). Last evaluated 2026-01-20.

Conditions:
MERTK-related disorder. Also called: MERTK-related condition.
Retinitis pigmentosa (RP). Identifiers: Orphanet 791, MedGen C0035334, MeSH D012174, MONDO:0019200, OMIM 268000. Inheritance: Autosomal dominant, autosomal recessive and X linked inheritance.

Allele frequency attached by ClinVar (database versions not stated): 1000 Genomes Project 30x 0.00016; 1000 Genomes Project 0.00020; ESP Exome Variant Server 0.00023; TOPMed 0.00027; ExAC 0.00038; gnomAD exomes 0.00044; gnomAD 0.00046 and 0.00047.
gnomAD v4.1: 448 of 1,613,998 alleles (0.028%); highest among the groups gnomAD compares: Admixed American, 0.053%; no homozygotes.

Submissions (5):

Labcorp Genetics (formerly Invitae), Labcorp
Classification: Likely benign. Last evaluated: 2026-01-20. Review status: criteria provided, single submitter. Criteria: Invitae Variant Classification Sherloc (09022015). Collection method: clinical testing. Allele origin: germline.

PreventionGenetics, part of Exact Sciences
Classification: Likely benign for MERTK-related condition. Last evaluated: 2025-02-20. Review status: criteria provided, single submitter. Criteria: ACMG Guidelines, 2015. Collection method: clinical testing. Allele origin: germline.
Comment: This variant is classified as likely benign based on ACMG/AMP sequence variant interpretation guidelines (Richards et al. 2015 PMID: 25741868, with internal and published modifications).

Blueprint Genetics
Classification: Likely benign. Last evaluated: 2024-09-23. Review status: criteria provided, single submitter. Criteria: ACMG Guidelines, 2015. Collection method: clinical testing. Allele origin: germline.

CeGaT Center for Human Genetics Tuebingen
Classification: Likely benign. Last evaluated: 2024-04-01. Review status: criteria provided, single submitter. Criteria: CeGaT Center For Human Genetics Tuebingen Variant Classification Criteria Version 2. Collection method: clinical testing. Allele origin: germline. Affected: yes. Observed: 2 variant alleles.
Comment: MERTK: BP4, BP7

Illumina Laboratory Services, Illumina
Classification: Uncertain significance for Retinitis pigmentosa. Last evaluated: 2018-01-13. Review status: criteria provided, single submitter. Criteria: ICSL Variant Classification Criteria 13 December 2019. Collection method: clinical testing. Allele origin: germline.